The following is an entry in ClinVar:

ClinVar aggregate classification (germline): Uncertain significance (1 of 4 stars; one submission).

Allele frequency attached by ClinVar (database versions not stated): gnomAD 0.00001; gnomAD exomes 0.00001 and 0.00006; ExAC 0.00002; TOPMed 0.00004.
gnomAD v4.1: 81 of 1,613,946 alleles (0.005%); highest among the groups gnomAD compares: Non-Finnish European, 0.0064%; no homozygotes.

Submission:

Labcorp Genetics (formerly Invitae), Labcorp
Classification: Uncertain significance. Last evaluated: 2022-08-21. Review status: criteria provided, single submitter. Criteria: Invitae Variant Classification Sherloc (09022015). Collection method: clinical testing. Allele origin: germline.
Comment: This sequence change replaces serine, which is neutral and polar, with tyrosine, which is neutral and polar, at codon 916 of the C2CD3 protein (p.Ser916Tyr). This variant is present in population databases (rs767041191, gnomAD 0.003%). This variant has not been reported in the literature in individuals affected with C2CD3-related conditions. ClinVar contains an entry for this variant (Variation ID: 1510797). Algorithms developed to predict the effect of missense changes on protein structure and function are either unavailable or do not agree on the potential impact of this missense change (SIFT: "Deleterious"; PolyPhen-2: "Probably Damaging"; Align-GVGD: "Class C0"). In summary, the available evidence is currently insufficient to determine the role of this variant in disease. Therefore, it has been classified as a Variant of Uncertain Significance.

NM_001286577.2(C2CD3):c.2747C>A (p.Ser916Tyr)

Gene: C2CD3 (C2 domain containing 3 centriole elongation regulator; minus strand). Cytogenetic location: 11q13.4.
Variant type: single nucleotide variant.
Coding change: c.2747C>A on transcript NM_001286577.2 (MANE Select); coding-DNA position 2747, C replaced by A.
Protein change: p.Ser916Tyr; replaces serine 916 with tyrosine.
Molecular consequence: missense variant.
Genome position (GRCh38, 1-based): chr11:74,098,241, G>T on the plus strand (C>A on the coding strand, the complement: C2CD3 is on the minus strand). VCF-style: chr11-74098241-G-T. GRCh37 (hg19) VCF-style: chr11-73809286-G-T.
Other names: c.2747C>A, p.Ser916Tyr (NM_015531.6); short protein forms S916Y.
Identifiers: ClinVar variation 1510797 (VCV001510797.3), dbSNP rs767041191, ClinGen allele CA6182557.
Genomic context (GRCh38, chr11:74,098,241, plus strand): 5'-ATCACAGGCATGTAGCTGTCGACAGCAACAACTGGGTACTGGGCATCCAGCAGCAGGCGA[G>T]AAATCTTAGCATCTCTAGAGGGGGAGAAATTGTGAATAAGCAAATAACAAGCATCAATCA-3'
Protein context (NP_001273506.1, residues 906-926): FYMSFKDAKI[Ser916Tyr]RLLLDAQYPV